The following is an entry in ClinVar:

NM_033159.4(HYAL1):c.238_239del (p.Gly80fs)

Gene: HYAL1 (hyaluronidase 1; minus strand). Cytogenetic location: 3p21.31.
Variant type: Deletion.
Coding change: c.238_239del on transcript NM_033159.4 (MANE Select); coding-DNA positions 238 to 239, 2 bases deleted (GG; older notation c.238_239delGG).
Protein change: p.Gly80fs; shifts the reading frame from glycine 80.
Molecular consequence: frameshift variant. On other transcripts: non-coding transcript variant (1), intron variant (2).
Genome position (GRCh38, 1-based): chr3:50,302,718-50,302,719, CC deleted on the plus strand (GG on the coding strand, the reverse complement: HYAL1 is on the minus strand); deleting any 2 consecutive bases within chr3:50,302,718-50,302,720 gives the same sequence; the c. name uses the placement nearest the transcript's 3' end. VCF-style (leftmost placement, unchanged base first): chr3-50302717-GCC-G. GRCh37 (hg19) VCF-style: chr3-50340148-GCC-G.
Other names: c.238_239delGG (NM_153281.1); c.238_239del, p.Gly80fs (NM_153281.2, NM_153282.3); c.-26-514_-26-513del (NM_153285.3); c.-213-96_-213-95del (NM_153283.3); short protein forms G80fs.
Identifiers: ClinVar variation 1069022 (VCV001069022.6), dbSNP rs782636282, ClinGen allele CA2415986.

ClinVar aggregate classification (germline): Pathogenic/Likely pathogenic. Review status: criteria provided, multiple submitters, no conflicts (2 of 4 stars). 2 submissions from 2 submitters: Pathogenic (1); Likely pathogenic (1). Last evaluated 2026-01-20.

Conditions:
Deficiency of hyaluronoglucosaminidase (MPS9). Also called: MPS IX; Mucopolysaccharidosis type 9; HYALURONIDASE DEFICIENCY. Identifiers: Orphanet 67041, MedGen C1291490, MONDO:0011093, OMIM 601492.

Submissions (2):

Labcorp Genetics (formerly Invitae), Labcorp
Classification: Pathogenic for Deficiency of hyaluronoglucosaminidase. Last evaluated: 2026-01-20. Review status: criteria provided, single submitter. Criteria: Invitae Variant Classification Sherloc (09022015). Collection method: clinical testing. Allele origin: germline.
Comment: This sequence change creates a premature translational stop signal (p.Gly80Hisfs*41) in the HYAL1 gene. It is expected to result in an absent or disrupted protein product. Loss-of-function variants in HYAL1 are known to be pathogenic (PMID: 10339581, 21559944). This variant is present in population databases (rs782636282, gnomAD 0.01%). This variant has not been reported in the literature in individuals affected with HYAL1-related conditions. ClinVar contains an entry for this variant (Variation ID: 1069022). For these reasons, this variant has been classified as Pathogenic.

Natera, Inc.
Classification: Likely pathogenic for Mucopolysaccharidosis type IX. Last evaluated: 2025-05-27. Review status: criteria provided, single submitter. Criteria: Natera Variant Classification Schema (03/2026). Collection method: clinical testing. Allele origin: germline.
Comment: The c.238_239delGG variant in HYAL1 is a frameshift variant predicted to shift the reading frame beginning at codon 80 and leads to a stop codon 41 codons downstream. This variant is expected to result in nonsense mediated decay, truncation, or a dysfunctional protein product. This variant is rare in the general population with a frequency below the threshold expected for the associated phenotype(s). Given the available evidence, this variant is classified as Likely Pathogenic.

Literature cited by the submitters: PubMed 10339581 (cited by Labcorp Genetics (formerly Invitae), Labcorp); PubMed 21559944 (cited by Labcorp Genetics (formerly Invitae), Labcorp).